The following is an entry in ClinVar:

ClinVar aggregate classification (germline): Pathogenic (1 of 4 stars; one submission).

Conditions:
Hereditary diffuse gastric adenocarcinoma (HDGC). Also called: DIFFUSE GASTRIC AND LOBULAR BREAST CANCER SYNDROME. Identifiers: Orphanet 26106, MedGen C1708349, MONDO:0007648, OMIM 137215.

Submission:

Labcorp Genetics (formerly Invitae), Labcorp
Classification: Pathogenic for Hereditary diffuse gastric adenocarcinoma. Last evaluated: 2026-01-25. Review status: criteria provided, single submitter. Criteria: Invitae Variant Classification Sherloc (09022015). Collection method: clinical testing. Allele origin: germline.
Comment: This sequence change creates a premature translational stop signal (p.Asn240Metfs*10) in the CDH1 gene. It is expected to result in an absent or disrupted protein product. Loss-of-function variants in CDH1 are known to be pathogenic (PMID: 15235021, 20373070). This variant is not present in population databases (gnomAD no frequency). This variant has not been reported in the literature in individuals affected with CDH1-related conditions. ClinVar contains an entry for this variant (Variation ID: 2819631). For these reasons, this variant has been classified as Pathogenic.

Literature cited by the submitters: PubMed 15235021; PubMed 20373070.

NM_004360.5(CDH1):c.717del (p.Asn240fs)

Gene: CDH1 (cadherin 1; plus strand). Cytogenetic location: 16q22.1.
Variant type: Deletion.
Coding change: c.717del on transcript NM_004360.5 (MANE Select); coding-DNA position 717, one base deleted (G; older notation c.717delG).
Protein change: p.Asn240fs; shifts the reading frame from asparagine 240.
Molecular consequence: frameshift variant. On other transcripts: 5 prime UTR variant (2).
Genome position (GRCh38, 1-based): chr16:68,810,226, G deleted; the last of 3 consecutive G bases (chr16:68,810,224-68,810,226); deleting any one gives the same sequence. VCF-style (leftmost placement, unchanged base first): chr16-68810223-CG-C. GRCh37 (hg19) VCF-style: chr16-68844126-CG-C.
Other names: c.717del, p.Asn240fs (NM_001317184.2); c.-899del (NM_001317185.2); c.-1103del (NM_001317186.2); short protein forms N240fs.
Identifiers: ClinVar variation 2819631 (VCV002819631.3), dbSNP rs2543918826, ClinGen allele CA2739266857.